The following is an entry in ClinVar:

NM_017739.4(POMGNT1):c.1650-97_1728del

Genes: POMGNT1 (protein O-linked mannose N-acetylglucosaminyltransferase 1 (beta 1,2-); minus strand), TSPAN1 (tetraspanin 1; plus strand). Cytogenetic location: 1p34.1.
Variant type: Deletion.
Coding change: c.1650-97_1728del on transcript NM_017739.4 (MANE Select); 97 bases into the intron before coding-DNA position 1650 through coding-DNA position 1728, 176 bases deleted.
Molecular consequence: splice acceptor variant.
Genome position (GRCh38, 1-based): chr1:46,189,911-46,190,086, 176 bases deleted. GRCh37 (hg19): chr1:46,655,584-46,655,759.
Other names: c.1650-97_1728del (NM_001243766.2, NM_001438686.1, NM_001438688.1 and 3 more transcripts); c.1584-97_1662del (NM_001290129.3, NM_001438691.1, NM_001438692.1); c.1221-97_1299del (NM_001290130.2).
Identifiers: ClinVar variation 1513369 (VCV001513369.6), dbSNP rs2148166991, ClinGen allele CA2573132363.

ClinVar aggregate classification (germline): Likely pathogenic (1 of 4 stars; one submission).

Conditions:
Autosomal recessive limb-girdle muscular dystrophy type 2O. Also called: Limb-Girdle Muscular Dystrophy Type 3C; MUSCULAR DYSTROPHY-DYSTROGLYCANOPATHY (LIMB-GIRDLE), TYPE C, 3; MUSCULAR DYSTROPHY-DYSTROGLYCANOPATHY, LIMB-GIRDLE, POMGNT1-RELATED. Identifiers: Orphanet 206564, MedGen C3150417, MONDO:0013161, OMIM 613157.
Muscular dystrophy-dystroglycanopathy (congenital with impaired intellectual development), type B, 3. Also called: Muscular dystrophy-dystroglycanopathy (congenital with intellectual disability), type B3; MUSCULAR DYSTROPHY, CONGENITAL, POMGNT1-RELATED. Identifiers: MedGen C3150412, MONDO:0013155, OMIM 613151.

Submission:

Labcorp Genetics (formerly Invitae), Labcorp
Classification: Likely pathogenic for Autosomal recessive limb-girdle muscular dystrophy type 2O; Muscular dystrophy-dystroglycanopathy (congenital with impaired intellectual development), type B, 3. Last evaluated: 2021-10-20. Review status: criteria provided, single submitter. Criteria: Invitae Variant Classification Sherloc (09022015). Collection method: clinical testing. Allele origin: germline.
Comment: In summary, the currently available evidence indicates that the variant is pathogenic, but additional data are needed to prove that conclusively. Therefore, this variant has been classified as Likely Pathogenic. This variant has not been reported in the literature in individuals affected with POMGNT1-related conditions. This variant is not present in population databases (ExAC no frequency). This variant results in the deletion of part of exon 20 (c.1650-97_1728del) of the POMGNT1 gene. It is expected to disrupt RNA splicing. Variants that disrupt the donor or acceptor splice site typically lead to a loss of protein function (PMID: 16199547), and loss-of-function variants in POMGNT1 are known to be pathogenic (PMID: 19299310, 20816175, 21447391, 26908613, 27391550).

Literature cited by the submitters: PubMed 16199547; PubMed 19299310; PubMed 20816175; PubMed 21447391; PubMed 26908613; PubMed 27391550.